The following is an entry in ClinVar:

NM_020338.4(ZMIZ1):c.1076G>A (p.Gly359Glu)

Gene: ZMIZ1 (zinc finger MIZ-type containing 1; plus strand). Cytogenetic location: 10q22.3.
Variant type: single nucleotide variant.
Coding change: c.1076G>A on transcript NM_020338.4 (MANE Select); coding-DNA position 1076, G replaced by A.
Protein change: p.Gly359Glu; replaces glycine 359 with glutamic acid.
Molecular consequence: missense variant.
Genome position (GRCh38, 1-based): chr10:79,293,499, G>A. VCF-style: chr10-79293499-G-A. GRCh37 (hg19) VCF-style: chr10-81053256-G-A.
Other names: short protein forms G359E.
Identifiers: ClinVar variation 4882471 (VCV004882471.2).

ClinVar aggregate classification (germline): Uncertain significance (1 of 4 stars; one submission).

Submission:

Dasa
Classification: Uncertain significance. Last evaluated: 2026-02-02. Review status: criteria provided, single submitter. Criteria: DASA Assertion Criteria. Collection method: clinical testing. Allele origin: germline.
Comment: NM_020338.4(ZMIZ1):c.1076G>A (p.Gly359Glu) is a missense variant that results in the substitution of glycine with glutamic acid. This variant is rare in population databases. Computational prediction algorithms are consistent with a benign effect. The currently available literature and clinical evidence are not sufficient to establish a definitive association between this variant and the reported condition. Therefore, this variant is classified as a variant of uncertain significance.